The following is an entry in ClinVar:

NM_000048.4(ASL):c.814C>T (p.Gln272Ter)

Gene: ASL (argininosuccinate lyase; plus strand). Cytogenetic location: 7q11.21.
Variant type: single nucleotide variant.
Coding change: c.814C>T on transcript NM_000048.4 (MANE Select); coding-DNA position 814, C replaced by T.
Protein change: p.Gln272Ter; replaces glutamine 272 with a stop codon.
Molecular consequence: nonsense.
Genome position (GRCh38, 1-based): chr7:66,088,902, C>T. VCF-style: chr7-66088902-C-T. GRCh37 (hg19) VCF-style: chr7-65553889-C-T.
Other names: c.814C>T, p.Gln272Ter (NM_001024943.2, NM_001024944.2); c.736C>T, p.Gln246Ter (NM_001024946.2); short protein forms Q246*, Q272*.
Identifiers: ClinVar variation 984305 (VCV000984305.3), dbSNP rs1786750679, ClinGen allele CA367645301.
Genomic context (GRCh38, chr7:66,088,902, plus strand): 5'-CATCTCAGCAGGATGGCCGAGGACCTCATCCTCTACTGCACCAAGGAATTCAGCTTCGTG[C>T]AGCTCTCAGATGCCTACAGGTAAGCCCTGAACTGCCACCTCCATCTGCCGCTGCCGGCCT-3'

ClinVar aggregate classification (germline): Likely pathogenic (1 of 4 stars; one submission).

Conditions:
Argininosuccinate lyase deficiency. Also called: Argininosuccinic aciduria; ARGININOSUCCINIC ACID LYASE DEFICIENCY; ASL DEFICIENCY. Identifiers: Orphanet 23, MedGen C0268547, MONDO:0008815, OMIM 207900, HP:0025630.

Allele frequency attached by ClinVar (database versions not stated): gnomAD exomes below 0.00001.

Submission:

Myriad Genetics, Inc.
Classification: Likely pathogenic for Argininosuccinate lyase deficiency. Last evaluated: 2019-07-28. Review status: criteria provided, single submitter. Criteria: Myriad Women's Health Autosomal Recessive and X-Linked Classification Criteria (2019). Collection method: clinical testing. Allele origin: unknown.
Comment: NM_001024943.1(ASL):c.814C>T(Q272*) is expected to be pathogenic in the context of argininosuccinic aciduria. This variant is predicted to lead to an abnormal or absent protein product due to the creation of a premature termination codon in ASL, a gene where loss-of-function variants are known to be pathogenic. Please note: this variant was assessed in the context of healthy population screening.